The following is an entry in ClinVar:

NM_002080.4(GOT2):c.241C>T (p.Arg81Cys)

Gene: GOT2 (glutamic-oxaloacetic transaminase 2; minus strand). Cytogenetic location: 16q21.
Variant type: single nucleotide variant.
Coding change: c.241C>T on transcript NM_002080.4 (MANE Select); coding-DNA position 241, C replaced by T.
Protein change: p.Arg81Cys; replaces arginine 81 with cysteine.
Molecular consequence: missense variant.
Genome position (GRCh38, 1-based): chr16:58,723,751, G>A on the plus strand (C>T on the coding strand, the complement: GOT2 is on the minus strand). VCF-style: chr16-58723751-G-A. GRCh37 (hg19) VCF-style: chr16-58757655-G-A.
Other names: c.241C>T, p.Arg81Cys (NM_001286220.2); short protein forms R81C.
Identifiers: ClinVar variation 2164866 (VCV002164866.4), dbSNP rs201744006, ClinGen allele CA8091116.

ClinVar aggregate classification (germline): Uncertain significance (1 of 4 stars; one submission).

Allele frequency attached by ClinVar (database versions not stated): ExAC 0.00004; TOPMed 0.00005; gnomAD 0.00007; 1000 Genomes Project 30x 0.00016; 1000 Genomes Project 0.00020.
gnomAD v4.1: 58 of 1,611,712 alleles (0.0036%); highest among the groups gnomAD compares: South Asian, 0.0055%; no homozygotes.

Submission:

Labcorp Genetics (formerly Invitae), Labcorp
Classification: Uncertain significance. Last evaluated: 2022-04-12. Review status: criteria provided, single submitter. Criteria: Invitae Variant Classification Sherloc (09022015). Collection method: clinical testing. Allele origin: germline.
Comment: In summary, the available evidence is currently insufficient to determine the role of this variant in disease. Therefore, it has been classified as a Variant of Uncertain Significance. Algorithms developed to predict the effect of missense changes on protein structure and function (SIFT, PolyPhen-2, Align-GVGD) all suggest that this variant is likely to be disruptive. This variant is present in population databases (rs201744006, gnomAD 0.02%). This variant has not been reported in the literature in individuals affected with GOT2-related conditions. This sequence change replaces arginine, which is basic and polar, with cysteine, which is neutral and slightly polar, at codon 81 of the GOT2 protein (p.Arg81Cys).